The following is an entry in ClinVar:

ClinVar aggregate classification (germline): Pathogenic. Review status: criteria provided, single submitter (1 of 4 stars). 2 submissions from 2 submitters: Pathogenic (1). 1 of the submissions does not count toward it. Last evaluated 2017-11-08.

Conditions:
Charcot-Marie-Tooth disease, type I (CMT1). Also called: Charcot-Marie-Tooth, Type 1; Charcot-Marie-Tooth disease type 1. Identifiers: Orphanet 65753, MedGen C0751036, MONDO:0019011.
Charcot-Marie-Tooth disease. Also called: Charcot-Marie-Tooth Neuropathy; Charcot-Marie-Tooth Hereditary Neuropathy. Identifiers: Orphanet 166, MedGen C0007959, MONDO:0015626.

Submissions (2):

Labcorp Genetics (formerly Invitae), Labcorp
Classification: Pathogenic for Charcot-Marie-Tooth disease, type I. Last evaluated: 2017-11-08. Review status: criteria provided, single submitter. Criteria: Invitae Variant Classification Sherloc (09022015). Collection method: clinical testing. Allele origin: germline.
Comment: For these reasons, this variant has been classified as Pathogenic. Loss-of-function variants in MPZ are known to be pathogenic (PMID: 14711881). This variant was reported in an individual who was referred for genetic testing for Charcot-Marie-Tooth disease (PMID: 25614874). This variant is not present in population databases (ExAC no frequency). This sequence change creates a premature translational stop signal (p.Gln86*) in the MPZ gene. It is expected to result in an absent or disrupted protein product.

Inherited Neuropathy Consortium
Classification: Pathogenic for Charcot-Marie-Tooth disease. Review status: no assertion criteria provided. Collection method: literature only. Allele origin: germline. Affected: yes. Not counted in ClinVar's aggregate classification.

Literature cited by the submitters: PubMed 14711881 (cited by Labcorp Genetics (formerly Invitae), Labcorp); PubMed 25614874 (cited by Labcorp Genetics (formerly Invitae), Labcorp and Inherited Neuropathy Consortium).

NM_000530.8(MPZ):c.256C>T (p.Gln86Ter)

Gene: MPZ (myelin protein zero; minus strand). Cytogenetic location: 1q23.3.
Variant type: single nucleotide variant.
Coding change: c.256C>T on transcript NM_000530.8 (MANE Select); coding-DNA position 256, C replaced by T.
Protein change: p.Gln86Ter; replaces glutamine 86 with a stop codon.
Molecular consequence: nonsense.
Genome position (GRCh38, 1-based): chr1:161,306,900, G>A on the plus strand (C>T on the coding strand, the complement: MPZ is on the minus strand). VCF-style: chr1-161306900-G-A. GRCh37 (hg19) VCF-style: chr1-161276690-G-A.
Other names: c.256C>T (LRG_256t1); c.256C>T, p.Gln86Ter (NM_001315491.2); short protein forms Q86*.
Identifiers: ClinVar variation 462792 (VCV000462792.7), dbSNP rs1553259703, ClinGen allele CA343349897.